The following is an entry in ClinVar:

ClinVar aggregate classification (germline): Uncertain significance (1 of 4 stars; one submission).

Conditions:
Hereditary cancer-predisposing syndrome. Also called: Neoplastic Syndromes, Hereditary; Hereditary Cancer Syndrome; Tumor predisposition; Hereditary neoplastic syndrome. Identifiers: Orphanet 140162, MedGen C0027672, MeSH D009386, MONDO:0015356.

Submission:

Ambry Genetics
Classification: Uncertain significance for Hereditary cancer-predisposing syndrome. Last evaluated: 2025-02-01. Review status: criteria provided, single submitter. Criteria: Ambry Variant Classification Scheme 2023. Collection method: clinical testing. Allele origin: germline.
Comment: The p.P956T variant (also known as c.2866C>A), located in coding exon 17 of the RET gene, results from a C to A substitution at nucleotide position 2866. The proline at codon 956 is replaced by threonine, an amino acid with highly similar properties. This amino acid position is conserved. In addition, this alteration is predicted to be tolerated by in silico analysis. Based on the available evidence, the clinical significance of this variant remains unclear.

NM_020975.6(RET):c.2866C>A (p.Pro956Thr)

Gene: RET (ret proto-oncogene; plus strand). Cytogenetic location: 10q11.21.
Variant type: single nucleotide variant.
Coding change: c.2866C>A on transcript NM_020975.6 (MANE Select); coding-DNA position 2866, C replaced by A.
Protein change: p.Pro956Thr; replaces proline 956 with threonine.
Molecular consequence: missense variant.
Genome position (GRCh38, 1-based): chr10:43,123,735, C>A. VCF-style: chr10-43123735-C-A. GRCh37 (hg19) VCF-style: chr10-43619183-C-A.
Other names: c.1840C>A, p.Pro614Thr (NM_001406786.1, NM_001406783.1); c.1834C>A, p.Pro612Thr (NM_001406787.1); c.1681C>A, p.Pro561Thr (NM_001406788.1, NM_001406789.1, NM_001406790.1); c.1561C>A, p.Pro521Thr (NM_001406791.1); c.1417C>A, p.Pro473Thr (NM_001406792.1, NM_001406793.1, NM_001406794.1); c.2866C>A, p.Pro956Thr (NM_020630.7, NM_001406743.1, NM_001406744.1 and 2 more transcripts); c.2104C>A, p.Pro702Thr (NM_001355216.2); c.2737C>A, p.Pro913Thr (NM_001406761.1, NM_001406762.1, NM_001406764.1); and 10 more; short protein forms P614T, P714T, P824T, P860T, P913T, P617T, P626T, P911T.
Identifiers: ClinVar variation 3788335 (VCV003788335.1).